The following is an entry in ClinVar:

ClinVar aggregate classification (germline): Uncertain significance (1 of 4 stars; one submission).

Allele frequency attached by ClinVar (database versions not stated): ExAC 0.00002; TOPMed 0.00002.
gnomAD v4.1: 23 of 1,613,856 alleles (0.0014%); highest among the groups gnomAD compares: Middle Eastern, 0.016%; no homozygotes.

Submission:

Labcorp Genetics (formerly Invitae), Labcorp
Classification: Uncertain significance. Last evaluated: 2024-10-15. Review status: criteria provided, single submitter. Criteria: Invitae Variant Classification Sherloc (09022015). Collection method: clinical testing. Allele origin: germline.
Comment: This sequence change replaces arginine, which is basic and polar, with lysine, which is basic and polar, at codon 470 of the PUS3 protein (p.Arg470Lys). This variant is present in population databases (rs750439608, gnomAD 0.007%). This variant has not been reported in the literature in individuals affected with PUS3-related conditions. ClinVar contains an entry for this variant (Variation ID: 1911395). An algorithm developed to predict the effect of missense changes on protein structure and function outputs the following: PolyPhen-2: "Benign". The lysine amino acid residue is found in multiple mammalian species, which suggests that this missense change does not adversely affect protein function. Algorithms developed to predict the effect of sequence changes on RNA splicing suggest that this variant may create or strengthen a splice site. In summary, the available evidence is currently insufficient to determine the role of this variant in disease. Therefore, it has been classified as a Variant of Uncertain Significance.

NM_031307.4(PUS3):c.1409G>A (p.Arg470Lys)

Genes: HYLS1 (HYLS1 centriolar and ciliogenesis associated; plus strand), PUS3 (pseudouridine synthase 3; minus strand). Cytogenetic location: 11q24.2.
Variant type: single nucleotide variant.
Coding change: c.1409G>A on transcript NM_031307.4 (MANE Select); coding-DNA position 1409, G replaced by A.
Protein change: p.Arg470Lys; replaces arginine 470 with lysine.
Molecular consequence: missense variant. On other transcripts: intron variant (5).
Genome position (GRCh38, 1-based): chr11:125,893,822, C>T on the plus strand (G>A on the coding strand, the complement: PUS3 is on the minus strand). VCF-style: chr11-125893822-C-T. GRCh37 (hg19) VCF-style: chr11-125763717-C-T.
Other names: c.785G>A, p.Arg262Lys (NM_001271985.2); c.-81+2350C>T (NM_145014.3); c.-26+2350C>T (NM_001134793.2); c.-23+2350C>T (NM_001424364.1); c.-25-5522C>T (NM_001377269.1); c.-22-5525C>T (NM_001377270.1); short protein forms R470K, R262K.
Identifiers: ClinVar variation 1911395 (VCV001911395.4), dbSNP rs750439608, ClinGen allele CA6350314.